The following is an entry in ClinVar:

ClinVar aggregate classification (germline): Likely benign (1 of 4 stars; one submission).

Allele frequency attached by ClinVar (database versions not stated): TOPMed 0.00002.
gnomAD v4.1: 17 of 1,526,870 alleles (0.0011%); highest among the groups gnomAD compares: Admixed American, 0.014%; no homozygotes.

Submission:

GeneDx
Classification: Likely benign. Last evaluated: 2017-06-02. Review status: criteria provided, single submitter. Criteria: GeneDx Variant Classification (06012015). Collection method: clinical testing. Allele origin: germline. Affected: yes.
Comment: This variant is considered likely benign or benign based on one or more of the following criteria: it is a conservative change, it occurs at a poorly conserved position in the protein, it is predicted to be benign by multiple in silico algorithms, and/or has population frequency not consistent with disease.

NM_004360.5(CDH1):c.-32C>G

Genes: CDH1 (cadherin 1; plus strand), LOC130059290 (ATAC-STARR-seq lymphoblastoid silent region 7650; plus strand). Cytogenetic location: 16q22.1.
Variant type: single nucleotide variant.
Coding change: c.-32C>G on transcript NM_004360.5 (MANE Select); 32 bases upstream of the start codon, C replaced by G.
Molecular consequence: 5 prime UTR variant.
Genome position (GRCh38, 1-based): chr16:68,737,384, C>G. VCF-style: chr16-68737384-C-G. GRCh37 (hg19) VCF-style: chr16-68771287-C-G.
Other names: c.-32C>G (LRG_301t1, NM_001317184.2); c.-1647C>G (NM_001317185.2); c.-1851C>G (NM_001317186.2).
Identifiers: ClinVar variation 377636 (VCV000377636.1), dbSNP rs1048595019, ClinGen allele CA16608216.